The following is an entry in ClinVar:

NM_000496.3(CRYBB2):c.583T>G (p.Trp195Gly)

Gene: CRYBB2 (crystallin beta B2; plus strand). Cytogenetic location: 22q11.23.
Variant type: single nucleotide variant.
Coding change: c.583T>G on transcript NM_000496.3 (MANE Select); coding-DNA position 583, T replaced by G.
Protein change: p.Trp195Gly; replaces tryptophan 195 with glycine.
Molecular consequence: missense variant.
Genome position (GRCh38, 1-based): chr22:25,231,737, T>G. VCF-style: chr22-25231737-T-G. GRCh37 (hg19) VCF-style: chr22-25627704-T-G.
Other names: short protein forms W195G.
Identifiers: ClinVar variation 217350 (VCV000217350.3), dbSNP rs147344332, ClinGen allele CA249997.

ClinVar aggregate classification (germline): Uncertain significance. Review status: criteria provided, multiple submitters, no conflicts (2 of 4 stars). 3 submissions from 3 submitters: Uncertain significance (2). 1 of the submissions does not count toward it. Last evaluated 2025-04-22.

Conditions:
CRYBB2-related disorder. Also called: CRYBB2-related condition.
Developmental cataract. Also called: Bilateral cataracts; Congenital cataracts; Congenital cataract. Identifiers: MedGen C0009691, HP:0000519.

Allele frequency attached by ClinVar (database versions not stated): gnomAD 0.00007; TOPMed 0.00008; gnomAD exomes 0.00009 and 0.00011; ExAC 0.00011.
gnomAD v4.1: 146 of 1,614,000 alleles (0.009%); highest among the groups gnomAD compares: Admixed American, 0.027%; no homozygotes.

Submissions (3):

PreventionGenetics, part of Exact Sciences
Classification: Uncertain significance for CRYBB2-related condition. Last evaluated: 2025-04-22. Review status: criteria provided, single submitter. Criteria: ACMG Guidelines, 2015. Collection method: clinical testing. Allele origin: germline.
Comment: The CRYBB2 c.583T>G variant is predicted to result in the amino acid substitution p.Trp195Gly. This variant was reported in an individual with cataract (Ma et al. 2016. PubMed ID: 26694549). This variant is reported in 0.029% of alleles in individuals of Latino descent in gnomAD. This variant falls within a highly paralogous region. Allele frequency data should be interpreted with caution. Although we suspect that this variant may be pathogenic, at this time, the clinical significance of this variant is uncertain due to the absence of conclusive functional and genetic evidence.

GeneDx
Classification: Uncertain significance. Last evaluated: 2024-09-11. Review status: criteria provided, single submitter. Criteria: GeneDx Variant Classification Process June 2021. Collection method: clinical testing. Allele origin: germline. Affected: yes.
Comment: In silico analysis supports that this missense variant has a deleterious effect on protein structure/function; This variant is associated with the following publications: (PMID: 31589614, 26694549)

Eye Genetics Research Group, Children's Medical Research Institute
Classification: Likely pathogenic for Developmental cataract. Last evaluated: 2015-01-09. Review status: no assertion criteria provided. Collection method: research. Allele origin: de novo. Affected: yes. Not counted in ClinVar's aggregate classification.

Literature cited by the submitters: PubMed 26694549 (cited by Eye Genetics Research Group, Children's Medical Research Institute).